The following is an entry in ClinVar:

ClinVar aggregate classification (germline): Uncertain significance (1 of 4 stars; one submission).

Allele frequency attached by ClinVar (database versions not stated): gnomAD exomes below 0.00001; TOPMed below 0.00001.

Submission:

Labcorp Genetics (formerly Invitae), Labcorp
Classification: Uncertain significance. Last evaluated: 2022-06-19. Review status: criteria provided, single submitter. Criteria: Invitae Variant Classification Sherloc (09022015). Collection method: clinical testing. Allele origin: germline.
Comment: In summary, the available evidence is currently insufficient to determine the role of this variant in disease. Therefore, it has been classified as a Variant of Uncertain Significance. Algorithms developed to predict the effect of missense changes on protein structure and function are either unavailable or do not agree on the potential impact of this missense change (SIFT: "Tolerated"; PolyPhen-2: "Not Available"; Align-GVGD: "Class C0"). This variant has not been reported in the literature in individuals affected with SON-related conditions. This variant is present in population databases (no rsID available, gnomAD 0.003%). This sequence change replaces alanine, which is neutral and non-polar, with serine, which is neutral and polar, at codon 2293 of the SON protein (p.Ala2293Ser).

NM_138927.4(SON):c.6657+321G>T

Gene: SON (SON DNA and RNA binding protein; plus strand). Cytogenetic location: 21q22.11.
Variant type: single nucleotide variant.
Coding change: c.6657+321G>T on transcript NM_138927.4 (MANE Select); 321 bases into the intron after coding-DNA position 6657, G replaced by T.
Molecular consequence: intron variant. On other transcripts: missense variant (1).
Genome position (GRCh38, 1-based): chr21:33,560,096, G>T. VCF-style: chr21-33560096-G-T. GRCh37 (hg19) VCF-style: chr21-34932402-G-T.
Other names: c.6877G>T, p.Ala2293Ser (NM_032195.3); c.741+321G>T (NM_001291412.3); short protein forms A2293S.
Identifiers: ClinVar variation 2414275 (VCV002414275.6), dbSNP rs1301604126, ClinGen allele CA410120366.
Genomic context (GRCh38, chr21:33,560,096, plus strand): 5'-GGGCCCTCCCTGCACTTGTGGGAAGGTAGTCCAAGGTACAACTATTTAGCTTCCCGATTT[G>T]CTTCAAGGCTCTATAGCTCTAGATTTTGGTGGTAGCAAATTTATCGGGTGGAGGGATTGA-3'